The following is an entry in ClinVar:

ClinVar aggregate classification (germline): Uncertain significance (1 of 4 stars; one submission).

Conditions:
Cardiovascular phenotype. Identifiers: MedGen CN230736.

Submission:

Ambry Genetics
Classification: Uncertain significance for Cardiovascular phenotype. Last evaluated: 2024-06-24. Review status: criteria provided, single submitter. Criteria: Ambry Variant Classification Scheme 2023. Collection method: clinical testing. Allele origin: germline.
Comment: The p.D258V variant (also known as c.773A>T) is located in coding exon 9 of the TPM1 gene. The aspartic acid at codon 258 is replaced by valine, an amino acid with highly dissimilar properties. This change occurs in the first base pair of coding exon 9. This amino acid position is conserved. In addition, this alteration is predicted to be deleterious by in silico analysis. Based on the available evidence, the clinical significance of this variant remains unclear.

NM_001018005.2(TPM1):c.773A>T (p.Asp258Val)

Gene: TPM1 (tropomyosin 1; plus strand). Cytogenetic location: 15q22.2.
Variant type: single nucleotide variant.
Coding change: c.773A>T on transcript NM_001018005.2 (MANE Select); coding-DNA position 773, A replaced by T.
Protein change: p.Asp258Val; replaces aspartic acid 258 with valine.
Molecular consequence: missense variant. On other transcripts: 3 prime UTR variant (3), non-coding transcript variant (7), intron variant (18).
Genome position (GRCh38, 1-based): chr15:63,064,064, A>T. VCF-style: chr15-63064064-A-T. GRCh37 (hg19) VCF-style: chr15-63356263-A-T.
Other names: c.773A>T, p.Asp258Val (NM_000366.6, NM_001301244.2, NM_001365779.1 and 8 more transcripts); c.665A>T, p.Asp222Val (NM_001330346.2, NM_001365781.2, NM_001365782.1 and 1 more transcripts); c.899A>T, p.Asp300Val (NM_001407322.1, NM_001407323.1, NM_001407324.1); c.*1255A>T (NM_001407325.1, NM_001407340.1, NM_001407341.1); c.898+1419A>T (NM_001365778.1); c.772+1419A>T (NM_001407336.1, NM_001018020.2, NM_001407338.1 and 8 more transcripts); c.664+1419A>T (NM_001330351.2, NM_001330344.2, NM_001018008.2 and 3 more transcripts); short protein forms D222V, D300V, D258V.
Identifiers: ClinVar variation 3328287 (VCV003328287.1).